The following is an entry in ClinVar:

ClinVar aggregate classification (germline): Uncertain significance. Review status: criteria provided, multiple submitters, no conflicts (2 of 4 stars). 2 submissions from 2 submitters: Uncertain significance (2). Last evaluated 2025-01-15.

Conditions:
Hereditary cancer-predisposing syndrome. Also called: Hereditary neoplastic syndrome; Neoplastic Syndromes, Hereditary; Hereditary Cancer Syndrome; Tumor predisposition. Identifiers: Orphanet 140162, MedGen C0027672, MeSH D009386, MONDO:0015356.

Submissions (2):

Ambry Genetics
Classification: Uncertain significance for Hereditary cancer-predisposing syndrome. Last evaluated: 2025-01-15. Review status: criteria provided, single submitter. Criteria: Ambry Variant Classification Scheme 2023. Collection method: clinical testing. Allele origin: germline.
Comment: The p.A957G variant (also known as c.2870C>G), located in coding exon 25 of the POLE gene, results from a C to G substitution at nucleotide position 2870. The alanine at codon 957 is replaced by glycine, an amino acid with similar properties. This amino acid position is highly conserved in available vertebrate species. In addition, the in silico prediction for this alteration is inconclusive. Based on the available evidence, the clinical significance of this variant remains unclear.

Labcorp Genetics (formerly Invitae), Labcorp
Classification: Uncertain significance. Last evaluated: 2024-02-02. Review status: criteria provided, single submitter. Criteria: Invitae Variant Classification Sherloc (09022015). Collection method: clinical testing. Allele origin: germline.
Comment: This sequence change replaces alanine, which is neutral and non-polar, with glycine, which is neutral and non-polar, at codon 957 of the POLE protein (p.Ala957Gly). This variant is not present in population databases (gnomAD no frequency). This variant has not been reported in the literature in individuals affected with POLE-related conditions. Advanced modeling of protein sequence and biophysical properties (such as structural, functional, and spatial information, amino acid conservation, physicochemical variation, residue mobility, and thermodynamic stability) performed at Invitae indicates that this missense variant is expected to disrupt POLE protein function with a positive predictive value of 80%. In summary, the available evidence is currently insufficient to determine the role of this variant in disease. Therefore, it has been classified as a Variant of Uncertain Significance.

NM_006231.4(POLE):c.2870C>G (p.Ala957Gly)

Gene: POLE (DNA polymerase epsilon, catalytic subunit; minus strand). Cytogenetic location: 12q24.33.
Variant type: single nucleotide variant.
Coding change: c.2870C>G on transcript NM_006231.4 (MANE Select); coding-DNA position 2870, C replaced by G.
Protein change: p.Ala957Gly; replaces alanine 957 with glycine.
Molecular consequence: missense variant.
Genome position (GRCh38, 1-based): chr12:132,661,159, G>C on the plus strand (C>G on the coding strand, the complement: POLE is on the minus strand). VCF-style: chr12-132661159-G-C. GRCh37 (hg19) VCF-style: chr12-133237745-G-C.
Other names: c.2870C>G (NM_006231.2); short protein forms A957G.
Identifiers: ClinVar variation 3714460 (VCV003714460.3).
Genomic context (GRCh38, chr12:132,661,159, plus strand): 5'-CCGCGGCGTTTGACCTCAAAGCCCTTGAGCTCAGCCAGAGAACCGTCTTCATTGAACACA[G>C]CATACCTGAAAAAAAAAAAAAAGGCAAGCACAGCAGTGGCAAGGAGCGCTGGGGAGCCAC-3'
Protein context (NP_006222.2, residues 947-967): EEGKKLKKRY[Ala957Gly]VFNEDGSLAE